The following is an entry in ClinVar:

ClinVar aggregate classification (germline): Uncertain significance. Review status: criteria provided, multiple submitters, no conflicts (2 of 4 stars). 2 submissions from 2 submitters: Uncertain significance (2). Last evaluated 2023-08-04.

Conditions:
Microphthalmia, syndromic 9. Also called: PULMONARY AGENESIS, MICROPHTHALMIA, AND DIAPHRAGMATIC DEFECT; SPEAR SYNDROME; Matthew-Wood syndrome; ANOPHTHALMIA, CLINICAL, WITH MILD FACIAL DYSMORPHISM AND VARIABLE MALFORMATIONS OF THE LUNG, HEART, AND DIAPHRAGM; ANOPHTHALMIA/MICROPHTHALMIA AND PULMONARY HYPOPLASIA. Identifiers: Orphanet 2470, MedGen C1832661, MONDO:0011010, OMIM 601186.

Allele frequency attached by ClinVar (database versions not stated): TOPMed 0.00006; gnomAD 0.00008 and 0.00011; gnomAD exomes 0.00010 and 0.00011; ExAC 0.00014; 1000 Genomes Project 30x 0.00031; 1000 Genomes Project 0.00040.
gnomAD v4.1: 170 of 1,613,330 alleles (0.011%); highest among the groups gnomAD compares: East Asian, 0.31%; 1 homozygote.

Submissions (2):

Labcorp Genetics (formerly Invitae), Labcorp
Classification: Uncertain significance for Microphthalmia, syndromic 9. Last evaluated: 2023-08-04. Review status: criteria provided, single submitter. Criteria: Invitae Variant Classification Sherloc (09022015). Collection method: clinical testing. Allele origin: germline.
Comment: This sequence change affects codon 60 of the STRA6 mRNA. It is a 'silent' change, meaning that it does not change the encoded amino acid sequence of the STRA6 protein. It affects a nucleotide within the consensus splice site. This variant is present in population databases (rs186185335, gnomAD 0.1%). This variant has not been reported in the literature in individuals affected with STRA6-related conditions. ClinVar contains an entry for this variant (Variation ID: 884974). Algorithms developed to predict the effect of sequence changes on RNA splicing suggest that this variant may create or strengthen a splice site. In summary, the available evidence is currently insufficient to determine the role of this variant in disease. Therefore, it has been classified as a Variant of Uncertain Significance.

Illumina Laboratory Services, Illumina
Classification: Uncertain significance for Microphthalmia, syndromic 9. Last evaluated: 2018-01-13. Review status: criteria provided, single submitter. Criteria: ICSL Variant Classification Criteria 13 December 2019. Collection method: clinical testing. Allele origin: germline.

NM_022369.4(STRA6):c.180A>G (p.Ser60=)

Gene: STRA6 (signaling receptor and transporter of retinol STRA6; minus strand). Cytogenetic location: 15q24.1.
Variant type: single nucleotide variant.
Coding change: c.180A>G on transcript NM_022369.4 (MANE Select); coding-DNA position 180, A replaced by G.
Protein change: p.Ser60=; no amino-acid change (serine 60 retained).
Molecular consequence: synonymous variant.
Genome position (GRCh38, 1-based): chr15:74,197,752, T>C on the plus strand (A>G on the coding strand, the complement: STRA6 is on the minus strand). VCF-style: chr15-74197752-T-C. GRCh37 (hg19) VCF-style: chr15-74490093-T-C.
Other names: c.180A>G, p.Ser60= (NM_001142617.2, NM_001142618.2, NM_001142619.2 and 1 more transcripts); c.291A>G, p.Ser97= (NM_001199040.2); c.225A>G, p.Ser75= (NM_001199041.2); c.297A>G, p.Ser99= (NM_001199042.2).
Identifiers: ClinVar variation 884974 (VCV000884974.8), dbSNP rs186185335, ClinGen allele CA7655079.